The following is an entry in ClinVar:

ClinVar aggregate classification (germline): Uncertain significance (1 of 4 stars; one submission).

Conditions:
Gastrointestinal stromal tumor. Also called: Gastrointestinal stroma tumor; Gastrointestinal stromal tumor, somatic. Identifiers: Orphanet 44890, MedGen C0238198, MeSH D046152, MONDO:0011719, OMIM 606764, HP:0100723.

Submission:

Labcorp Genetics (formerly Invitae), Labcorp
Classification: Uncertain significance for Gastrointestinal stromal tumor. Last evaluated: 2020-11-26. Review status: criteria provided, single submitter. Criteria: Invitae Variant Classification Sherloc (09022015). Collection method: clinical testing. Allele origin: germline.
Comment: In summary, the available evidence is currently insufficient to determine the role of this variant in disease. Therefore, it has been classified as a Variant of Uncertain Significance. Algorithms developed to predict the effect of sequence changes on RNA splicing suggest that this variant may disrupt the consensus splice site, but this prediction has not been confirmed by published transcriptional studies. Algorithms developed to predict the effect of missense changes on protein structure and function are either unavailable or do not agree on the potential impact of this missense change (SIFT: "Tolerated"; PolyPhen-2: "Possibly Damaging"; Align-GVGD: "Class C0"). This variant has not been reported in the literature in individuals with PDGFRA-related conditions. This variant is not present in population databases (ExAC no frequency). This sequence change replaces serine with asparagine at codon 1041 of the PDGFRA protein (p.Ser1041Asn). The serine residue is highly conserved and there is a small physicochemical difference between serine and asparagine.

NM_006206.6(PDGFRA):c.3122G>A (p.Ser1041Asn)

Gene: PDGFRA (platelet derived growth factor receptor alpha; plus strand). Cytogenetic location: 4q12.
Variant type: single nucleotide variant.
Coding change: c.3122G>A on transcript NM_006206.6 (MANE Select); coding-DNA position 3122, G replaced by A.
Protein change: p.Ser1041Asn; replaces serine 1041 with asparagine.
Molecular consequence: missense variant.
Genome position (GRCh38, 1-based): chr4:54,290,554, G>A. VCF-style: chr4-54290554-G-A. GRCh37 (hg19) VCF-style: chr4-55156721-G-A.
Other names: c.3122G>A, p.Ser1041Asn (NM_001347829.2); c.3161G>A, p.Ser1054Asn (NM_001347830.2); c.3197G>A, p.Ser1066Asn (NM_001347828.2); short protein forms S1054N, S1066N, S1041N.
Identifiers: ClinVar variation 1489118 (VCV001489118.8), dbSNP rs2110349177, ClinGen allele CA356896425.
Genomic context (GRCh38, chr4:54,290,554, plus strand): 5'-CTCTGCCTGACATTGACCCTGTCCCTGAGGAGGAGGACCTGGGCAAGAGGAACAGACACA[G>A]GTAGCTGTGGGGGCAGCCTCGGTGTCTCACCTTTCCCCTCCCCTATAGGCCCTGAAGGAG-3'
Protein context (NP_006197.1, residues 1031-1051): EEDLGKRNRH[Ser1041Asn]SQTSEESAIE